The following is an entry in ClinVar:

NC_000011.10:g.47351310delinsAA

Gene: MYBPC3 (myosin binding protein C3; minus strand). Cytogenetic location: 11p11.2.
Variant type: Indel.
Genome position: GRCh38 VCF-style: chr11-47351310-G-AA. GRCh37 (hg19) VCF-style: chr11-47372861-G-AA.
Other names: c.221C>TT (NM_000256.3).
Identifiers: ClinVar variation 523708 (VCV000523708.9), dbSNP rs1555123743, ClinGen allele CA658797648.

ClinVar aggregate classification (germline): Pathogenic/Likely pathogenic. Review status: criteria provided, multiple submitters, no conflicts (2 of 4 stars). 3 submissions from 2 submitters: Pathogenic (1); Likely pathogenic (2). Last evaluated 2025-04-07.

Conditions:
Primary familial hypertrophic cardiomyopathy (HCM). Identifiers: Orphanet 99739, MedGen C0949658, MeSH D024741, MONDO:0024573. Inheritance: Various modes of inheritance.
Hypertrophic cardiomyopathy. Also called: HYPERTROPHIC MYOCARDIOPATHY. Identifiers: Orphanet 217569, MedGen C0007194, MeSH D002312, MONDO:0005045, HP:0001639.
Cardiovascular phenotype. Identifiers: MedGen CN230736.

Submissions (3):

Labcorp Genetics (formerly Invitae), Labcorp
Classification: Pathogenic for Hypertrophic cardiomyopathy. Last evaluated: 2025-04-07. Review status: criteria provided, single submitter. Criteria: Invitae Variant Classification Sherloc (09022015). Collection method: clinical testing. Allele origin: germline.
Comment: This sequence change creates a premature translational stop signal (p.Ala74Valfs*39) in the MYBPC3 gene. It is expected to result in an absent or disrupted protein product. Loss-of-function variants in MYBPC3 are known to be pathogenic (PMID: 19574547). Information on the frequency of this variant in the gnomAD database is not available, as this variant may be reported differently in the database. This variant has not been reported in the literature in individuals affected with MYBPC3-related conditions. For these reasons, this variant has been classified as Pathogenic.

Molecular Diagnostic Laboratory for Inherited Cardiovascular Disease, Montreal Heart Institute
Classification: Likely pathogenic for Cardiovascular phenotype. Last evaluated: 2022-02-16. Review status: criteria provided, single submitter. Criteria: ACMG Guidelines, 2015. Collection method: clinical testing. Allele origin: germline. Affected: yes.

Molecular Diagnostic Laboratory for Inherited Cardiovascular Disease, Montreal Heart Institute
Classification: Likely pathogenic for Primary familial hypertrophic cardiomyopathy. Last evaluated: 2017-06-16. Review status: criteria provided, single submitter. Criteria: ACMG Guidelines, 2015. Collection method: clinical testing. Allele origin: germline. Affected: yes.

Literature cited by the submitters: PubMed 19574547 (cited by Labcorp Genetics (formerly Invitae), Labcorp).